The following is an entry in ClinVar:

NM_001382567.1(STIM1):c.1342C>T (p.His448Tyr)

Gene: STIM1 (stromal interaction molecule 1; plus strand). Cytogenetic location: 11p15.4.
Variant type: single nucleotide variant.
Coding change: c.1342C>T on transcript NM_001382567.1 (MANE Select); coding-DNA position 1342, C replaced by T.
Protein change: p.His448Tyr; replaces histidine 448 with tyrosine.
Molecular consequence: missense variant. On other transcripts: non-coding transcript variant (2).
Genome position (GRCh38, 1-based): chr11:4,083,366, C>T. VCF-style: chr11-4083366-C-T. GRCh37 (hg19) VCF-style: chr11-4104596-C-T.
Other names: c.1342C>T, p.His448Tyr (NM_001277961.3, NM_001277962.2, NM_003156.4); c.1120C>T, p.His374Tyr (NM_001382566.1, NM_001382573.1, NM_001382575.1 and 4 more transcripts); c.1363C>T, p.His455Tyr (NM_001382568.1); c.1207C>T, p.His403Tyr (NM_001382569.1); c.1114C>T, p.His372Tyr (NM_001382570.1); c.862C>T, p.His288Tyr (NM_001382571.1); c.853C>T, p.His285Tyr (NM_001382580.1, NM_001382581.1); short protein forms H374Y, H403Y, H448Y, H288Y, H455Y, H285Y, H372Y.
Identifiers: ClinVar variation 2947128 (VCV002947128.3), dbSNP rs2498478149, ClinGen allele CA379194258.

ClinVar aggregate classification (germline): Uncertain significance (1 of 4 stars; one submission).

Conditions:
Stormorken syndrome (STRMK). Also called: THROMBOCYTOPATHY, ASPLENIA, AND MIOSIS. Identifiers: Orphanet 3204, MedGen C1861451, MONDO:0008497, OMIM 185070.
Combined immunodeficiency due to STIM1 deficiency. Also called: IMMUNODEFICIENCY 10; STIM1 DEFICIENCY. Identifiers: Orphanet 169090, Orphanet 317430, MedGen C2748557, MONDO:0013008, OMIM 612783.
Myopathy with tubular aggregates (TAM). Also called: Tubular Aggregate Myopathy. Identifiers: Orphanet 2593, MedGen C0410207, MONDO:0008051.

Allele frequency attached by ClinVar (database versions not stated): gnomAD exomes below 0.00001.
gnomAD v4.1: 1 of 1,614,266 alleles (0.000062%); highest among the groups gnomAD compares: Non-Finnish European, 0.000085%; no homozygotes.

Submission:

Labcorp Genetics (formerly Invitae), Labcorp
Classification: Uncertain significance for Myopathy with tubular aggregates; Combined immunodeficiency due to STIM1 deficiency; Stormorken syndrome. Last evaluated: 2023-04-25. Review status: criteria provided, single submitter. Criteria: Invitae Variant Classification Sherloc (09022015). Collection method: clinical testing. Allele origin: germline.
Comment: This sequence change replaces histidine, which is basic and polar, with tyrosine, which is neutral and polar, at codon 448 of the STIM1 protein (p.His448Tyr). This variant is not present in population databases (gnomAD no frequency). This variant has not been reported in the literature in individuals affected with STIM1-related conditions. Advanced modeling of protein sequence and biophysical properties (such as structural, functional, and spatial information, amino acid conservation, physicochemical variation, residue mobility, and thermodynamic stability) has been performed at Invitae for this missense variant, however the output from this modeling did not meet the statistical confidence thresholds required to predict the impact of this variant on STIM1 protein function. In summary, the available evidence is currently insufficient to determine the role of this variant in disease. Therefore, it has been classified as a Variant of Uncertain Significance.